The following is an entry in ClinVar:

NC_000016.9:g.(?_70286604)_(70296447_?)dup

Gene: AARS1 (alanyl-tRNA synthetase 1; minus strand). Cytogenetic location: 16q22.1.
Variant type: Duplication.
Identifiers: ClinVar variation 543305 (VCV000543305.1).

ClinVar aggregate classification (germline): Uncertain significance (1 of 4 stars; one submission).

Conditions:
Charcot-Marie-Tooth disease type 2. Also called: Charcot-Marie-Tooth type 2. Identifiers: Orphanet 64746, MedGen C0270914, MONDO:0018993.

Submission:

Labcorp Genetics (formerly Invitae), Labcorp
Classification: Uncertain significance for Charcot-Marie-Tooth disease type 2. Last evaluated: 2018-03-08. Review status: criteria provided, single submitter. Criteria: Invitae Variant Classification Sherloc (09022015). Collection method: clinical testing. Allele origin: germline.
Comment: This variant is a gross duplication of the genomic region encompassing exons 12-21 of the AARS gene. The 5' boundary is likely confined to intron 11. The 3' end of this event is unknown as it extends beyond the assayed region for this gene and therefore may encompass additional genes. The exact location of this variant in the genome is unknown. This variant has not been reported in the literature in individuals with AARS-related disease. Experimental studies and prediction algorithms are not available for this variant, and the functional significance of the duplicated exons is currently unknown. In summary, the available evidence is currently insufficient to determine the role of this variant in disease. Therefore, it has been classified as a Variant of Uncertain Significance.